The following is an entry in ClinVar:

NM_173849.3(GSC):c.437G>A (p.Arg146His)

Gene: GSC (goosecoid homeobox; minus strand). Cytogenetic location: 14q32.13.
Variant type: single nucleotide variant.
Coding change: c.437G>A on transcript NM_173849.3 (MANE Select); coding-DNA position 437, G replaced by A.
Protein change: p.Arg146His; replaces arginine 146 with histidine.
Molecular consequence: missense variant.
Genome position (GRCh38, 1-based): chr14:94,769,136, C>T on the plus strand (G>A on the coding strand, the complement: GSC is on the minus strand). VCF-style: chr14-94769136-C-T. GRCh37 (hg19) VCF-style: chr14-95235473-C-T.
Other names: short protein forms R146H.
Identifiers: ClinVar variation 1406987 (VCV001406987.6), dbSNP rs765091352, ClinGen allele CA7330512.

ClinVar aggregate classification (germline): Uncertain significance (1 of 4 stars; one submission).

Allele frequency attached by ClinVar (database versions not stated): gnomAD exomes below 0.00001 and 0.00001; gnomAD 0.00001; ExAC 0.00004.

Submission:

Labcorp Genetics (formerly Invitae), Labcorp
Classification: Uncertain significance. Last evaluated: 2021-07-22. Review status: criteria provided, single submitter. Criteria: Invitae Variant Classification Sherloc (09022015). Collection method: clinical testing. Allele origin: germline.
Comment: Algorithms developed to predict the effect of missense changes on protein structure and function (SIFT, PolyPhen-2, Align-GVGD) all suggest that this variant is likely to be disruptive. This sequence change replaces arginine with histidine at codon 146 of the GSC protein (p.Arg146His). The arginine residue is highly conserved and there is a small physicochemical difference between arginine and histidine. The frequency data for this variant in the population databases is considered unreliable, as metrics indicate poor data quality at this position in the ExAC database. This variant has not been reported in the literature in individuals affected with GSC-related conditions. In summary, the available evidence is currently insufficient to determine the role of this variant in disease. Therefore, it has been classified as a Variant of Uncertain Significance.